The following is an entry in ClinVar:

ClinVar aggregate classification (germline): Uncertain significance (1 of 4 stars; one submission).

Submission:

Quest Diagnostics Nichols Institute San Juan Capistrano
Classification: Uncertain significance. Last evaluated: 2023-06-23. Review status: criteria provided, single submitter. Criteria: Quest Diagnostics criteria. Collection method: clinical testing. Allele origin: unknown.
Comment: To the best of our knowledge, this variant has not been reported in the published literature. It also has not been reported in large, multi-ethnic general populations (Genome Aggregation Database). Analysis of this variant using bioinformatics tools for the prediction of the effect of amino acid changes on protein structure and function yielded conflicting predictions that this variant is benign or damaging. Based on the available information, we are unable to determine the clinical significance of this variant.

NM_000135.4(FANCA):c.2634G>T (p.Glu878Asp)

Genes: FANCA (FA complementation group A; minus strand), LOC130059837 (ATAC-STARR-seq lymphoblastoid active region 11420; plus strand). Cytogenetic location: 16q24.3.
Variant type: single nucleotide variant.
Coding change: c.2634G>T on transcript NM_000135.4 (MANE Select); coding-DNA position 2634, G replaced by T.
Protein change: p.Glu878Asp; replaces glutamic acid 878 with aspartic acid.
Molecular consequence: missense variant.
Genome position (GRCh38, 1-based): chr16:89,765,034, C>A on the plus strand (G>T on the coding strand, the complement: FANCA is on the minus strand). VCF-style: chr16-89765034-C-A. GRCh37 (hg19) VCF-style: chr16-89831442-C-A.
Other names: c.2634G>T, p.Glu878Asp (NM_001286167.3); short protein forms E878D.
Identifiers: ClinVar variation 2681898 (VCV002681898.1), dbSNP rs2143289424, ClinGen allele CA397438841.